The following is an entry in ClinVar:

NM_001868.4(CPA1):c.325T>C (p.Ser109Pro)

Gene: CPA1 (carboxypeptidase A1; plus strand). Cytogenetic location: 7q32.2.
Variant type: single nucleotide variant.
Coding change: c.325T>C on transcript NM_001868.4 (MANE Select); coding-DNA position 325, T replaced by C.
Protein change: p.Ser109Pro; replaces serine 109 with proline.
Molecular consequence: missense variant.
Genome position (GRCh38, 1-based): chr7:130,381,807, T>C. VCF-style: chr7-130381807-T-C. GRCh37 (hg19) VCF-style: chr7-130021648-T-C.
Other names: short protein forms S109P.
Identifiers: ClinVar variation 1729523 (VCV001729523.2), dbSNP rs781895665, ClinGen allele CA4484756.

ClinVar aggregate classification (germline): Uncertain significance (1 of 4 stars; one submission).

Conditions:
Hereditary pancreatitis (PCTT). Also called: Hereditary chronic pancreatitis; PRSS1-Related Hereditary Pancreatitis. Identifiers: Orphanet 676, MedGen C0238339, MONDO:0008185, OMIM 167800.

Allele frequency attached by ClinVar (database versions not stated): gnomAD exomes below 0.00001; ExAC 0.00001.
gnomAD v4.1: 4 of 1,614,060 alleles (0.00025%); highest among the groups gnomAD compares: Middle Eastern, 0.033%; no homozygotes.

Submission:

Ambry Genetics
Classification: Uncertain significance for Hereditary pancreatitis. Last evaluated: 2024-02-01. Review status: criteria provided, single submitter. Criteria: Ambry Variant Classification Scheme 2023. Collection method: clinical testing. Allele origin: germline.
Comment: The p.S109P variant (also known as c.325T>C), located in coding exon 3 of the CPA1 gene, results from a T to C substitution at nucleotide position 325. The serine at codon 109 is replaced by proline, an amino acid with similar properties. This amino acid position is conserved. In addition, this alteration is predicted to be tolerated by in silico analysis. Since supporting evidence is limited at this time, the clinical significance of this alteration remains unclear.